The following is an entry in ClinVar:

NM_001114753.3(ENG):c.159C>T (p.Cys53=)

Gene: ENG (endoglin; minus strand). Cytogenetic location: 9q34.11.
Variant type: single nucleotide variant.
Coding change: c.159C>T on transcript NM_001114753.3 (MANE Select); coding-DNA position 159, C replaced by T.
Protein change: p.Cys53=; no amino-acid change (cysteine 53 retained).
Molecular consequence: synonymous variant. On other transcripts: 5 prime UTR variant (1).
Genome position (GRCh38, 1-based): chr9:127,843,154, G>A on the plus strand (C>T on the coding strand, the complement: ENG is on the minus strand). VCF-style: chr9-127843154-G-A. GRCh37 (hg19) VCF-style: chr9-130605433-G-A.
Other names: p.Cys53=; c.159C>T, p.Cys53= (NM_000118.4, NM_001406715.1); c.-388C>T (NM_001278138.2); c.159C>T (NM_000118.2).
Identifiers: ClinVar variation 237021 (VCV000237021.25), dbSNP rs148475405, ClinGen allele CA5253219.

ClinVar aggregate classification (germline): Benign/Likely benign. Review status: criteria provided, multiple submitters, no conflicts (2 of 4 stars). 7 submissions from 7 submitters: Benign (3); Likely benign (3). 1 of the submissions does not count toward it. Last evaluated 2026-08-01.

Conditions:
ENG-related disorder. Also called: ENG-related condition; ENG-related disorders.
Hereditary hemorrhagic telangiectasia (HHT). Also called: Osler hemorrhagic telangiectasia syndrome; ORW DISEASE; Osler Weber Rendu syndrome; OSLER-RENDU-WEBER DISEASE. Identifiers: Orphanet 774, MedGen C0039445, MONDO:0019180. Disease mechanism: loss of function.
Cardiovascular phenotype. Identifiers: MedGen CN230736.

Allele frequency attached by ClinVar (database versions not stated): gnomAD exomes 0.00030 and 0.00160; gnomAD 0.00056 and 0.00069; TOPMed 0.00112; ExAC 0.00149; 1000 Genomes Project 30x 0.00203; 1000 Genomes Project 0.00240.
gnomAD v4.1: 563 of 1,614,236 alleles (0.035%); highest among the groups gnomAD compares: East Asian, 1.1%; 4 homozygotes.

Submissions (7):

CeGaT Center for Human Genetics Tuebingen
Classification: Likely benign. Last evaluated: 2026-08-01. Review status: criteria provided, single submitter. Criteria: CeGaT Center For Human Genetics Tuebingen Variant Classification Criteria Version 2. Collection method: clinical testing. Allele origin: germline. Affected: yes. Observed: 1 variant allele.
Comment: ENG: BP4, BP7, BS1

Labcorp Genetics (formerly Invitae), Labcorp
Classification: Benign for Hereditary hemorrhagic telangiectasia. Last evaluated: 2026-02-04. Review status: criteria provided, single submitter. Criteria: Invitae Variant Classification Sherloc (09022015). Collection method: clinical testing. Allele origin: germline.

Mayo Clinic Laboratories, Mayo Clinic
Classification: Likely benign. Last evaluated: 2025-04-15. Review status: criteria provided, single submitter. Criteria: ACMG Guidelines, 2015. Collection method: clinical testing. Allele origin: germline. Observed: 2 variant alleles.
Comment: BS1, BP4, BP7

Blueprint Genetics
Classification: Likely benign. Last evaluated: 2024-05-30. Review status: criteria provided, single submitter. Criteria: ACMG Guidelines, 2015. Collection method: clinical testing. Allele origin: germline.

GeneDx
Classification: Benign. Last evaluated: 2019-05-01. Review status: criteria provided, single submitter. Criteria: GeneDx Variant Classification Process June 2021. Collection method: clinical testing. Allele origin: germline. Affected: yes.

Ambry Genetics
Classification: Benign for Cardiovascular phenotype. Last evaluated: 2015-05-22. Review status: criteria provided, single submitter. Criteria: Ambry Variant Classification Scheme 2023. Collection method: clinical testing. Allele origin: germline.

PreventionGenetics, part of Exact Sciences
Classification: Likely benign for ENG-related condition. Last evaluated: 2019-03-20. Review status: no assertion criteria provided. Collection method: clinical testing. Allele origin: germline. Not counted in ClinVar's aggregate classification.
Comment: This variant is classified as likely benign based on ACMG/AMP sequence variant interpretation guidelines (Richards et al. 2015 PMID: 25741868, with internal and published modifications).